The following is an entry in ClinVar:

NM_000217.3(KCNA1):c.755A>C (p.Asn252Thr)

Gene: KCNA1 (potassium voltage-gated channel subfamily A member 1; plus strand). Cytogenetic location: 12p13.32.
Variant type: single nucleotide variant.
Coding change: c.755A>C on transcript NM_000217.3 (MANE Select); coding-DNA position 755, A replaced by C.
Protein change: p.Asn252Thr; replaces asparagine 252 with threonine.
Molecular consequence: missense variant.
Genome position (GRCh38, 1-based): chr12:4,912,133, A>C. VCF-style: chr12-4912133-A-C. GRCh37 (hg19) VCF-style: chr12-5021299-A-C.
Other names: short protein forms N252T.
Identifiers: ClinVar variation 4086682 (VCV004086682.1).

ClinVar aggregate classification (germline): Uncertain significance (1 of 4 stars; one submission).

Submission:

GeneDx
Classification: Uncertain significance. Last evaluated: 2025-03-17. Review status: criteria provided, single submitter. Criteria: GeneDx Variant Classification Process June 2021. Collection method: clinical testing. Allele origin: germline. Affected: yes.
Comment: Not observed at significant frequency in large population cohorts (gnomAD); In silico analysis supports that this missense variant has a deleterious effect on protein structure/function; Has not been previously published as pathogenic or benign to our knowledge